The following is an entry in ClinVar:

ClinVar aggregate classification (germline): Likely benign. Review status: criteria provided, multiple submitters, no conflicts (2 of 4 stars). 5 submissions from 5 submitters: Likely benign (5). Last evaluated 2025-10-13.

Allele frequency attached by ClinVar (database versions not stated): gnomAD exomes 0.00009 and 0.00018; gnomAD 0.00010 and 0.00011; TOPMed 0.00010; 1000 Genomes Project 30x 0.00021; 1000 Genomes Project 0.00026; ESP Exome Variant Server 0.00038; ExAC 0.00005.
gnomAD v4.1: 210 of 1,206,790 alleles (0.017%); highest among the groups gnomAD compares: Middle Eastern, 0.023%; no homozygotes.

Submissions (5):

Labcorp Genetics (formerly Invitae), Labcorp
Classification: Likely benign. Last evaluated: 2025-10-13. Review status: criteria provided, single submitter. Criteria: Invitae Variant Classification Sherloc (09022015). Collection method: clinical testing. Allele origin: germline.

Blueprint Genetics
Classification: Likely benign. Last evaluated: 2024-10-24. Review status: criteria provided, single submitter. Criteria: ACMG Guidelines, 2015. Collection method: clinical testing. Allele origin: germline.

CeGaT Center for Human Genetics Tuebingen
Classification: Likely benign. Last evaluated: 2023-12-01. Review status: criteria provided, single submitter. Criteria: CeGaT Center For Human Genetics Tuebingen Variant Classification Criteria Version 2. Collection method: clinical testing. Allele origin: germline. Affected: yes. Observed: 1 variant allele.
Comment: NEXMIF: BP4, BP7, BS2

GeneDx
Classification: Likely benign. Last evaluated: 2021-02-12. Review status: criteria provided, single submitter. Criteria: GeneDx Variant Classification Process June 2021. Collection method: clinical testing. Allele origin: germline. Affected: yes.

Ambry Genetics
Classification: Likely benign. Last evaluated: 2019-09-21. Review status: criteria provided, single submitter. Criteria: Ambry Variant Classification Scheme 2023. Collection method: clinical testing. Allele origin: germline.

NM_001008537.3(NEXMIF):c.1983C>T (p.His661=)

Gene: NEXMIF (neurite extension and migration factor; minus strand). Cytogenetic location: Xq13.3.
Variant type: single nucleotide variant.
Coding change: c.1983C>T on transcript NM_001008537.3 (MANE Select); coding-DNA position 1983, C replaced by T.
Protein change: p.His661=; no amino-acid change (histidine 661 retained).
Molecular consequence: synonymous variant.
Genome position (GRCh38, 1-based): chrX:74,742,574, G>A on the plus strand (C>T on the coding strand, the complement: NEXMIF is on the minus strand). VCF-style: chrX-74742574-G-A. GRCh37 (hg19) VCF-style: chrX-73962409-G-A.
Identifiers: ClinVar variation 474058 (VCV000474058.36), dbSNP rs138583612, ClinGen allele CA10455085.